The following is an entry in ClinVar:

NM_007194.4(CHEK2):c.1588_1589insATGCCGCGGGGCCCAGGGTG (p.Ala530fs)

Gene: CHEK2 (checkpoint kinase 2; minus strand). Cytogenetic location: 22q12.1.
Variant type: Insertion.
Coding change: c.1588_1589insATGCCGCGGGGCCCAGGGTG on transcript NM_007194.4 (MANE Select); coding-DNA positions 1588 to 1589, ATGCCGCGGGGCCCAGGGTG inserted.
Protein change: p.Ala530fs; shifts the reading frame from alanine 530.
Molecular consequence: frameshift variant.
Genome position: GRCh38 VCF-style: chr22-28687940-G-GCACCCTGGGCCCCGCGGCAT. GRCh37 (hg19) VCF-style: chr22-29083928-G-GCACCCTGGGCCCCGCGGCAT.
Other names: c.1711_1712insAGGGTGATGCCGCGGGGCCC, p.Ala573Aspfs (NM_001005735.3); c.919_920insAGGGTGATGCCGCGGGGCCC, p.Ala309Aspfs (NM_001257387.3); c.1381_1382insAGGGTGATGCCGCGGGGCCC, p.Ala463Aspfs (NM_001349956.3); c.1495_1496insAGGGTGATGCCGCGGGGCCC, p.Ala501Aspfs (NM_145862.3); short protein forms A309fs, A463fs, A501fs, A530fs, A573fs.
Identifiers: ClinVar variation 3266946 (VCV003266946.1).

ClinVar aggregate classification (germline): Uncertain significance (1 of 4 stars; one submission).

Conditions:
Hereditary cancer-predisposing syndrome. Also called: Hereditary Cancer Syndrome; Tumor predisposition; Hereditary neoplastic syndrome; Neoplastic Syndromes, Hereditary. Identifiers: Orphanet 140162, MedGen C0027672, MeSH D009386, MONDO:0015356.

Submission:

Ambry Genetics
Classification: Uncertain significance for Hereditary cancer-predisposing syndrome. Last evaluated: 2024-03-26. Review status: criteria provided, single submitter. Criteria: Ambry Variant Classification Scheme 2023. Collection method: clinical testing. Allele origin: germline.
Comment: The c.1588_1589ins20 variant, located in coding exon 14 of the CHEK2 gene, results from an insertion of 20 nucleotides at position 1588, causing a translational frameshift with a predicted alternate stop codon (p.A530Dfs*43). This alteration occurs at the 3' terminus of theCHEK2 gene, is not expected to trigger nonsense-mediated mRNAdecay and results in the elongation of the protein by 28 amino acids. This frameshift impacts the last 13amino acids of the native protein. The exact functional effect of the altered amino acids is unknown. Based on the available evidence, the clinical significance of this alteration remains unclear.